The following is an entry in ClinVar:

NM_006121.4(KRT1):c.257G>A (p.Arg86His)

Gene: KRT1 (keratin 1; minus strand). Cytogenetic location: 12q13.13.
Variant type: single nucleotide variant.
Coding change: c.257G>A on transcript NM_006121.4 (MANE Select); coding-DNA position 257, G replaced by A.
Protein change: p.Arg86His; replaces arginine 86 with histidine.
Molecular consequence: missense variant.
Genome position (GRCh38, 1-based): chr12:52,680,092, C>T on the plus strand (G>A on the coding strand, the complement: KRT1 is on the minus strand). VCF-style: chr12-52680092-C-T. GRCh37 (hg19) VCF-style: chr12-53073876-C-T.
Other names: short protein forms R86H.
Identifiers: ClinVar variation 309655 (VCV000309655.19), dbSNP rs886049637, ClinGen allele CA10641945.

ClinVar aggregate classification (germline): Uncertain significance. Review status: criteria provided, multiple submitters, no conflicts (2 of 4 stars). 3 submissions from 2 submitters: Uncertain significance (3). Last evaluated 2024-11-01.

Conditions:
Diffuse nonepidermolytic palmoplantar keratoderma (NEPPK). Also called: Nonepidermolytic palmoplantar keratoderma; Nonepidermolytic palmoplantar hyperkeratosis. Identifiers: Orphanet 530838, MedGen C1833030, MONDO:0010962, OMIM 600962, HP:0007404.
Epidermolytic ichthyosis. Also called: Epidermolytic Hyperkeratosis; Congenital bullous ichthyosiform erythroderma; KRT10-Related Epidermolytic Hyperkeratosis; Bullous ichthyosiform erythroderma. Identifiers: Orphanet 312, MedGen C0079153, MONDO:0007239, HP:0007475.

Allele frequency attached by ClinVar (database versions not stated): gnomAD exomes 0.00002; gnomAD 0.00003; TOPMed 0.00005.
gnomAD v4.1: 31 of 1,557,122 alleles (0.002%); highest among the groups gnomAD compares: East Asian, 0.0049%; no homozygotes.

Submissions (3):

CeGaT Center for Human Genetics Tuebingen
Classification: Uncertain significance. Last evaluated: 2024-11-01. Review status: criteria provided, single submitter. Criteria: CeGaT Center For Human Genetics Tuebingen Variant Classification Criteria Version 2. Collection method: clinical testing. Allele origin: germline. Affected: yes. Observed: 1 variant allele.
Comment: KRT1: PM2, BP4

Illumina Laboratory Services, Illumina
Classification: Uncertain significance for Epidermolytic hyperkeratosis 1. Last evaluated: 2018-01-12. Review status: criteria provided, single submitter. Criteria: ICSL Variant Classification Criteria 13 December 2019. Collection method: clinical testing. Allele origin: germline.

Illumina Laboratory Services, Illumina
Classification: Uncertain significance for Diffuse nonepidermolytic palmoplantar keratoderma. Last evaluated: 2018-01-12. Review status: criteria provided, single submitter. Criteria: ICSL Variant Classification Criteria 13 December 2019. Collection method: clinical testing. Allele origin: germline.